The following is an entry in ClinVar:

ClinVar aggregate classification (germline): Uncertain significance. Review status: criteria provided, multiple submitters, no conflicts (2 of 4 stars). 4 submissions from 4 submitters: Uncertain significance (4). Last evaluated 2026-02-27.

Conditions:
Inborn genetic diseases. Identifiers: MedGen C0950123, MeSH D030342.
Progressive myoclonic epilepsy type 7. Identifiers: Orphanet 435438, MedGen C4015420, MONDO:0014521, OMIM 616187.

Allele frequency attached by ClinVar (database versions not stated): gnomAD exomes below 0.00001; gnomAD 0.00001.

Submissions (4):

Ambry Genetics
Classification: Uncertain significance for Inborn genetic diseases. Last evaluated: 2026-02-27. Review status: criteria provided, single submitter. Criteria: Ambry Variant Classification Scheme 2023. Collection method: clinical testing. Allele origin: germline.

Labcorp Genetics (formerly Invitae), Labcorp
Classification: Uncertain significance for Progressive myoclonic epilepsy type 7. Last evaluated: 2023-06-20. Review status: criteria provided, single submitter. Criteria: Invitae Variant Classification Sherloc (09022015). Collection method: clinical testing. Allele origin: germline.
Comment: ClinVar contains an entry for this variant (Variation ID: 1693037). In summary, the available evidence is currently insufficient to determine the role of this variant in disease. Therefore, it has been classified as a Variant of Uncertain Significance. Algorithms developed to predict the effect of sequence changes on RNA splicing suggest that this variant may disrupt the consensus splice site. Advanced modeling of protein sequence and biophysical properties (such as structural, functional, and spatial information, amino acid conservation, physicochemical variation, residue mobility, and thermodynamic stability) performed at Invitae indicates that this missense variant is expected to disrupt KCNC1 protein function. This variant has not been reported in the literature in individuals affected with KCNC1-related conditions. This variant is not present in population databases (gnomAD no frequency). This sequence change replaces glutamic acid, which is acidic and polar, with lysine, which is basic and polar, at codon 517 of the KCNC1 protein (p.Glu517Lys).

GeneDx
Classification: Uncertain significance. Last evaluated: 2022-06-17. Review status: criteria provided, single submitter. Criteria: GeneDx Variant Classification Process June 2021. Collection method: clinical testing. Allele origin: germline. Affected: yes.
Comment: Not observed at significant frequency in large population cohorts (gnomAD); In silico analysis supports that this missense variant does not alter protein structure/function; Has not been previously published as pathogenic or benign to our knowledge

Fulgent Genetics
Classification: Uncertain significance for Progressive myoclonic epilepsy type 7. Last evaluated: 2021-10-24. Review status: criteria provided, single submitter. Criteria: ACMG Guidelines, 2015. Collection method: clinical testing. Allele origin: unknown.

NM_001112741.2(KCNC1):c.1549G>A (p.Glu517Lys)

Gene: KCNC1 (potassium voltage-gated channel subfamily C member 1; plus strand). Cytogenetic location: 11p15.1.
Variant type: single nucleotide variant.
Coding change: c.1549G>A on transcript NM_001112741.2 (MANE Select); coding-DNA position 1549, G replaced by A.
Protein change: p.Glu517Lys; replaces glutamic acid 517 with lysine.
Molecular consequence: missense variant.
Genome position (GRCh38, 1-based): chr11:17,779,500, G>A. VCF-style: chr11-17779500-G-A. GRCh37 (hg19) VCF-style: chr11-17801047-G-A.
Other names: short protein forms E517K.
Identifiers: ClinVar variation 1693037 (VCV001693037.7), dbSNP rs1243389624, ClinGen allele CA379814124.